The following is an entry in ClinVar:

ClinVar aggregate classification (germline): Likely pathogenic (1 of 4 stars; one submission).

Conditions:
Dilated cardiomyopathy 1G (CMD1G). Identifiers: Orphanet 154, MedGen C1858763, MONDO:0011400, OMIM 604145.
Autosomal recessive limb-girdle muscular dystrophy type 2J (LGMDR10). Also called: MUSCULAR DYSTROPHY, LIMB-GIRDLE, AUTOSOMAL RECESSIVE 10; Limb-girdle muscular dystrophy, type 2J. Identifiers: Orphanet 140922, MedGen C1837342, MONDO:0012127, OMIM 608807.

Allele frequency attached by ClinVar (database versions not stated): TOPMed 0.00001.

Submission:

Labcorp Genetics (formerly Invitae), Labcorp
Classification: Likely pathogenic for Dilated cardiomyopathy 1G; Autosomal recessive limb-girdle muscular dystrophy type 2J. Last evaluated: 2024-05-04. Review status: criteria provided, single submitter. Criteria: Invitae Variant Classification Sherloc (09022015). Collection method: clinical testing. Allele origin: germline.
Comment: This sequence change affects a donor splice site in intron 360 of the TTN gene. It is expected to disrupt RNA splicing and likely results in a truncated or disrupted TTN protein. This variant is not present in population databases (gnomAD no frequency). This variant has not been reported in the literature in individuals affected with TTN-related conditions. ClinVar contains an entry for this variant (Variation ID: 2004733). Algorithms developed to predict the effect of sequence changes on RNA splicing suggest that this variant may disrupt the consensus splice site. This variant is located in the M band of TTN (PMID: 25589632). Truncating variants in this region have been previously reported in individuals affected with autosomal recessive myopathy and muscular dystrophy (PMID: 18948003, 23975875, 24395473). Truncating variants in this region have also been identified in individuals affected with autosomal dominant dilated cardiomyopathy and/or cardio-related conditions (PMID: 27869827, 32964742, Invitae internal data). In summary, the currently available evidence indicates that the variant is pathogenic, but additional data are needed to prove that conclusively. Therefore, this variant has been classified as Likely Pathogenic.

Literature cited by the submitters: PubMed 25589632; PubMed 18948003; PubMed 23975875; PubMed 24395473; PubMed 27869827; PubMed 32964742.

NM_001267550.2(TTN):c.107223+2T>C

Genes: TTN (titin; minus strand), TTN-AS1 (TTN antisense RNA 1; plus strand). Cytogenetic location: 2q31.2.
Variant type: single nucleotide variant.
Coding change: c.107223+2T>C on transcript NM_001267550.2 (MANE Select); the canonical splice donor site of the intron after coding-DNA position 107223, T replaced by C.
Molecular consequence: splice donor variant.
Genome position (GRCh38, 1-based): chr2:178,528,526, A>G on the plus strand (T>C on the coding strand, the complement: TTN is on the minus strand). VCF-style: chr2-178528526-A-G. GRCh37 (hg19) VCF-style: chr2-179393253-A-G.
Other names: c.80028+2T>C (NM_003319.4); c.80604+2T>C (NM_133437.4); c.80403+2T>C (NM_133432.3); c.99519+2T>C (NM_133378.4); c.102300+2T>C (NM_001256850.1).
Identifiers: ClinVar variation 2004733 (VCV002004733.4), dbSNP rs1687571331, ClinGen allele CA349401549.
Genomic context (GRCh38, chr2:178,528,526, plus strand): 5'-TCAGATGTGGAAGACATGGTATTTTAGTTTTTCTTCAATAATATATTCATAATTAAACTT[A>G]CTGGCAGGTTGTTTTTAAACCATTCGATTTCAGGGGATGGCTCGCCACTGATTTCACAAG-3'